The following is an entry in ClinVar:

NM_001376232.1(ZP2):c.1477T>A (p.Phe493Ile)

Gene: ZP2 (zona pellucida glycoprotein 2; minus strand). Cytogenetic location: 16p12.2.
Variant type: single nucleotide variant.
Coding change: c.1477T>A on transcript NM_001376232.1 (MANE Select); coding-DNA position 1477, T replaced by A.
Protein change: p.Phe493Ile; replaces phenylalanine 493 with isoleucine.
Molecular consequence: missense variant. On other transcripts: non-coding transcript variant (1).
Genome position (GRCh38, 1-based): chr16:21,201,733, A>T on the plus strand (T>A on the coding strand, the complement: ZP2 is on the minus strand). VCF-style: chr16-21201733-A-T. GRCh37 (hg19) VCF-style: chr16-21213054-A-T.
Other names: c.1450T>A, p.Phe484Ile (NM_001376231.1); c.1477T>A, p.Phe493Ile (NM_001376233.1, NM_003460.2); short protein forms F484I, F493I.
Identifiers: ClinVar variation 5040925 (VCV005040925.1).

ClinVar aggregate classification (germline): Likely benign (1 of 4 stars; one submission).

gnomAD v4.1: 732 of 1,614,092 alleles (0.045%); highest among the groups gnomAD compares: South Asian, 0.69%; 5 homozygotes.

Submission:

CeGaT Center for Human Genetics Tuebingen
Classification: Likely benign. Last evaluated: 2026-09-01. Review status: criteria provided, single submitter. Criteria: CeGaT Center For Human Genetics Tuebingen Variant Classification Criteria Version 2. Collection method: clinical testing. Allele origin: germline. Affected: yes. Observed: 1 variant allele.
Comment: ZP2: BP4